The following is an entry in ClinVar:

ClinVar aggregate classification (germline): Conflicting classifications of pathogenicity. Review status: criteria provided, conflicting classifications (1 of 4 stars). 5 submissions from 5 submitters: Uncertain significance (4); Likely benign (1). Last evaluated 2026-01-27.

Conditions:
Inborn genetic diseases. Identifiers: MedGen C0950123, MeSH D030342.

Allele frequency attached by ClinVar (database versions not stated): gnomAD 0.00003 and 0.00004; TOPMed 0.00003; ExAC 0.00007; gnomAD exomes 0.00007 and 0.00010.

Submissions (5):

Labcorp Genetics (formerly Invitae), Labcorp
Classification: Likely benign. Last evaluated: 2026-01-27. Review status: criteria provided, single submitter. Criteria: Invitae Variant Classification Sherloc (09022015). Collection method: clinical testing. Allele origin: germline.

Women's Health and Genetics/Laboratory Corporation of America, LabCorp
Classification: Uncertain significance. Last evaluated: 2026-01-20. Review status: criteria provided, single submitter. Criteria: LabCorp Variant Classification Summary - May 2015. Collection method: clinical testing. Allele origin: germline.
Comment: Variant summary: COL11A2 c.4676G>A (p.Arg1559Gln) results in a conservative amino acid change in the encoded protein sequence. Algorithms developed to predict the effect of missense changes on protein structure and function all suggest that this variant is likely to be tolerated. The variant allele was found at a frequency of 6.8e-05 in 250360 control chromosomes. This frequency is not significantly higher than estimated for disease-causing variants in COL11A2, allowing no conclusion about variant significance. To our knowledge, no occurrence of c.4676G>A in individuals affected with COL11A2-related conditions and no experimental evidence demonstrating its impact on protein function have been reported. ClinVar contains an entry for this variant (Variation ID: 501919). Based on the evidence outlined above, the variant was classified as uncertain significance.

Ambry Genetics
Classification: Uncertain significance for Inborn genetic diseases. Last evaluated: 2024-08-05. Review status: criteria provided, single submitter. Criteria: Ambry Variant Classification Scheme 2023. Collection method: clinical testing. Allele origin: germline.

Blueprint Genetics
Classification: Uncertain significance. Last evaluated: 2023-08-24. Review status: criteria provided, single submitter. Criteria: ACMG Guidelines, 2015. Collection method: clinical testing. Allele origin: germline.

Eurofins Ntd Llc (ga)
Classification: Uncertain significance. Last evaluated: 2017-05-17. Review status: criteria provided, single submitter. Criteria: EGL Classification Definitions 2015. Collection method: clinical testing. Allele origin: germline. Observed: 1 variant allele, 1 heterozygote.

NM_080680.3(COL11A2):c.4676G>A (p.Arg1559Gln)

Gene: COL11A2 (collagen type XI alpha 2 chain; minus strand). Cytogenetic location: 6p21.32.
Variant type: single nucleotide variant.
Coding change: c.4676G>A on transcript NM_080680.3 (MANE Select); coding-DNA position 4676, G replaced by A.
Protein change: p.Arg1559Gln; replaces arginine 1559 with glutamine.
Molecular consequence: missense variant.
Genome position (GRCh38, 1-based): chr6:33,165,623, C>T on the plus strand (G>A on the coding strand, the complement: COL11A2 is on the minus strand). VCF-style: chr6-33165623-C-T. GRCh37 (hg19) VCF-style: chr6-33133400-C-T.
Other names: c.4355G>A, p.Arg1452Gln (NM_080679.3); c.4418G>A, p.Arg1473Gln (NM_080681.3); c.4676G>A (NM_080680.2); short protein forms R1559Q, R1452Q, R1473Q.
Identifiers: ClinVar variation 501919 (VCV000501919.16), dbSNP rs774845879, ClinGen allele CA3750022.